The following is an entry in ClinVar:

ClinVar aggregate classification (germline): Likely benign (0 of 4 stars; one submission).

Conditions:
IFT172-related disorder. Also called: IFT172-related disorders; IFT172-related condition.

gnomAD v4.1: 2 of 1,613,996 alleles (0.00012%); highest among the groups gnomAD compares: Non-Finnish European, 0.00017%; no homozygotes.

Submission:

PreventionGenetics, part of Exact Sciences
Classification: Likely benign for IFT172-related condition. Last evaluated: 2020-09-16. Review status: no assertion criteria provided. Collection method: clinical testing. Allele origin: germline.
Comment: This variant is classified as likely benign based on ACMG/AMP sequence variant interpretation guidelines (Richards et al. 2015 PMID: 25741868, with internal and published modifications).

NM_015662.3(IFT172):c.3111+4A>C

Gene: IFT172 (intraflagellar transport 172; minus strand). Cytogenetic location: 2p23.3.
Variant type: single nucleotide variant.
Coding change: c.3111+4A>C on transcript NM_015662.3 (MANE Select); 4 bases into the intron after coding-DNA position 3111, A replaced by C.
Molecular consequence: intron variant.
Genome position (GRCh38, 1-based): chr2:27,457,837, T>G on the plus strand (A>C on the coding strand, the complement: IFT172 is on the minus strand). VCF-style: chr2-27457837-T-G. GRCh37 (hg19) VCF-style: chr2-27680704-T-G.
Other names: c.3045+4A>C (NM_001410739.1).
Identifiers: ClinVar variation 3351144 (VCV003351144.1).